The following is an entry in ClinVar:

ClinVar aggregate classification (germline): Uncertain significance (1 of 4 stars; one submission).

Conditions:
Cardiovascular phenotype. Identifiers: MedGen CN230736.
Hereditary cancer-predisposing syndrome. Also called: Neoplastic Syndromes, Hereditary; Tumor predisposition; Hereditary Cancer Syndrome; Hereditary neoplastic syndrome. Identifiers: Orphanet 140162, MedGen C0027672, MeSH D009386, MONDO:0015356.

Submission:

Ambry Genetics
Classification: Uncertain significance for Cardiovascular phenotype; Hereditary cancer-predisposing syndrome. Last evaluated: 2026-06-02. Review status: criteria provided, single submitter. Criteria: Ambry Variant Classification Scheme 2023. Collection method: clinical testing. Allele origin: germline.
Comment: The p.S585I variant (also known as c.1754G>T), located in coding exon 15 of the LZTR1 gene, results from a G to T substitution at nucleotide position 1754. The serine at codon 585 is replaced by isoleucine, an amino acid with dissimilar properties. This amino acid position is conserved. In addition, this alteration is predicted to be tolerated by in silico analysis. Based on the available evidence, the clinical significance of this variant remains unclear.

NM_006767.4(LZTR1):c.1754G>T (p.Ser585Ile)

Gene: LZTR1 (leucine zipper like post translational regulator 1; plus strand). Cytogenetic location: 22q11.21.
Variant type: single nucleotide variant.
Coding change: c.1754G>T on transcript NM_006767.4 (MANE Select); coding-DNA position 1754, G replaced by T.
Protein change: p.Ser585Ile; replaces serine 585 with isoleucine.
Molecular consequence: missense variant.
Genome position (GRCh38, 1-based): chr22:20,994,696, G>T. VCF-style: chr22-20994696-G-T. GRCh37 (hg19) VCF-style: chr22-21348985-G-T.
Other names: short protein forms S585I.
Identifiers: ClinVar variation 4859428 (VCV004859428.1).